The following is an entry in ClinVar:

NM_001348768.2(HECW2):c.996A>G (p.Pro332=)

Gene: HECW2 (HECT, C2 and WW domain containing E3 ubiquitin protein ligase 2; minus strand). Cytogenetic location: 2q32.3.
Variant type: single nucleotide variant.
Coding change: c.996A>G on transcript NM_001348768.2 (MANE Select); coding-DNA position 996, A replaced by G.
Protein change: p.Pro332=; no amino-acid change (proline 332 retained).
Molecular consequence: synonymous variant. On other transcripts: 5 prime UTR variant (1).
Genome position (GRCh38, 1-based): chr2:196,319,894, T>C on the plus strand (A>G on the coding strand, the complement: HECW2 is on the minus strand). VCF-style: chr2-196319894-T-C. GRCh37 (hg19) VCF-style: chr2-197184618-T-C.
Other names: c.-73A>G (NM_001304840.3); c.996A>G, p.Pro332= (NM_020760.4).
Identifiers: ClinVar variation 788515 (VCV000788515.7), dbSNP rs10172730, ClinGen allele CA2038401.

ClinVar aggregate classification (germline): Benign/Likely benign. Review status: criteria provided, multiple submitters, no conflicts (2 of 4 stars). 4 submissions from 4 submitters: Benign (2); Likely benign (1). 1 of the submissions does not count toward it. Last evaluated 2021-10-16.

Conditions:
Neurodevelopmental disorder with hypotonia, seizures, and absent language (NDHSAL). Identifiers: MedGen C4310643, MONDO:0014995, OMIM 617268.
HECW2-related disorder. Also called: HECW2-related condition.

Allele frequency attached by ClinVar (database versions not stated): gnomAD exomes 0.00099 and 0.00253; ExAC 0.00325; gnomAD 0.00953 and 0.01037; 1000 Genomes Project 0.00978; 1000 Genomes Project 30x 0.01031; TOPMed 0.01131; ESP Exome Variant Server 0.01161.
gnomAD v4.1: 2,953 of 1,591,446 alleles (0.19%); highest among the groups gnomAD compares: African/African-American, 3.3%; 56 homozygotes.

Submissions (4):

Fulgent Genetics
Classification: Likely benign for Neurodevelopmental disorder with hypotonia, seizures, and absent language. Last evaluated: 2021-10-16. Review status: criteria provided, single submitter. Criteria: ACMG Guidelines, 2015. Collection method: clinical testing. Allele origin: unknown.

Labcorp Genetics (formerly Invitae), Labcorp
Classification: Benign. Last evaluated: 2018-08-16. Review status: criteria provided, single submitter. Criteria: Invitae Variant Classification Sherloc (09022015). Collection method: clinical testing. Allele origin: germline.

Breakthrough Genomics
Classification: Benign. Review status: criteria provided, single submitter. Criteria: ACMG Guidelines, 2015. Collection method: not provided. Allele origin: germline. Inheritance: Autosomal dominant inheritance. Affected: yes.

PreventionGenetics, part of Exact Sciences
Classification: Benign for HECW2-related condition. Last evaluated: 2021-06-30. Review status: no assertion criteria provided. Collection method: clinical testing. Allele origin: germline. Not counted in ClinVar's aggregate classification.
Comment: This variant is classified as benign based on ACMG/AMP sequence variant interpretation guidelines (Richards et al. 2015 PMID: 25741868, with internal and published modifications).